The following is an entry in ClinVar:

NM_020911.2(PLXNA4):c.5515A>G (p.Met1839Val)

Gene: PLXNA4 (plexin A4; minus strand). Cytogenetic location: 7q32.3.
Variant type: single nucleotide variant.
Coding change: c.5515A>G on transcript NM_020911.2 (MANE Select); coding-DNA position 5515, A replaced by G.
Protein change: p.Met1839Val; replaces methionine 1839 with valine.
Molecular consequence: missense variant.
Genome position (GRCh38, 1-based): chr7:132,133,123, T>C on the plus strand (A>G on the coding strand, the complement: PLXNA4 is on the minus strand). VCF-style: chr7-132133123-T-C. GRCh37 (hg19) VCF-style: chr7-131817882-T-C.
Other names: c.5515A>G, p.Met1839Val (NM_001393897.1); short protein forms M1839V.
Identifiers: ClinVar variation 4996357 (VCV004996357.1).

ClinVar aggregate classification (germline): Uncertain significance (1 of 4 stars; one submission).

Conditions:
PLXNA4-related disorder. Also called: PLXNA4-related condition.

Submission:

PreventionGenetics, part of Exact Sciences
Classification: Uncertain significance for PLXNA4-related condition. Last evaluated: 2025-10-14. Review status: criteria provided, single submitter. Criteria: ACMG Guidelines, 2015. Collection method: clinical testing. Allele origin: germline.
Comment: The PLXNA4 c.5515A>G variant is predicted to result in the amino acid substitution p.Met1839Val. To our knowledge, this variant has not been reported in the literature. This variant is reported in 0.0065% of alleles in individuals of European (Non-Finnish) descent in gnomAD. At this time, the clinical significance of this variant is uncertain due to the absence of conclusive functional and genetic evidence.